The following is an entry in ClinVar:

NM_000080.4(CHRNE):c.1052C>G (p.Pro351Arg)

Genes: CHRNE (cholinergic receptor nicotinic epsilon subunit; minus strand), LOC130060041 (ATAC-STARR-seq lymphoblastoid silent region 8050; plus strand). Cytogenetic location: 17p13.2.
Variant type: single nucleotide variant.
Coding change: c.1052C>G on transcript NM_000080.4 (MANE Select); coding-DNA position 1052, C replaced by G.
Protein change: p.Pro351Arg; replaces proline 351 with arginine.
Molecular consequence: missense variant.
Genome position (GRCh38, 1-based): chr17:4,899,365, G>C on the plus strand (C>G on the coding strand, the complement: CHRNE is on the minus strand). VCF-style: chr17-4899365-G-C. GRCh37 (hg19) VCF-style: chr17-4802660-G-C.
Other names: short protein forms P351R.
Identifiers: ClinVar variation 2577839 (VCV002577839.3), dbSNP rs1168592296, ClinGen allele CA397300698.

ClinVar aggregate classification (germline): Conflicting classifications of pathogenicity. Review status: criteria provided, conflicting classifications (1 of 4 stars). 3 submissions from 3 submitters: Likely pathogenic (1); Uncertain significance (2). Last evaluated 2026-01-05.

Conditions:
Congenital myasthenic syndrome (CMS). Also called: Congenital Myasthenic Syndromes. Identifiers: Orphanet 590, MedGen C0751882, MeSH D020294, MONDO:0018940.
Congenital myasthenic syndrome 4A. Also called: Myasthenic syndrome, congenital, 4a, slow-channel; CONGENITAL MYASTHENIC SYNDROME TYPE Ia1; MYASTHENIC SYNDROME, CONGENITAL, 4A, SLOW-CHANNEL, AUTOSOMAL RECESSIVE. Identifiers: Orphanet 590, MedGen C4225413, MONDO:0011600, OMIM 605809.
Congenital myasthenic syndrome 4C (CMS4C). Also called: Myasthenic syndrome, congenital, associated with acetylcholine receptor deficiency. Identifiers: Orphanet 590, MedGen C1837091, MONDO:0012157, OMIM 608931.
Congenital myasthenic syndrome 4B. Also called: Myasthenic syndrome, congenital, 4b, fast-channel. Identifiers: Orphanet 590, MedGen C4225369, MONDO:0014586, OMIM 616324.

gnomAD v4.1: 4 of 1,534,412 alleles (0.00026%); highest among the groups gnomAD compares: Non-Finnish European, 0.00035%; no homozygotes.

Submissions (3):

Myriad Genetics, Inc.
Classification: Uncertain significance for Congenital myasthenic syndrome. Last evaluated: 2026-01-05. Review status: criteria provided, single submitter. Criteria: Myriad Autosomal Dominant, Autosomal Recessive and X-Linked Classification Criteria (2023). Collection method: clinical testing. Allele origin: unknown.
Comment: NM_000080.3(CHRNE):c.1052C>G(P351R) is a missense variant classified as a variant of uncertain significance in the context of congenital myasthenic syndrome, CHRNE-related. P351R has been observed in a case with relevant disease (PMID: 39273593). Relevant functional assessments of this variant are not available in the literature. P351R has not been observed in referenced population frequency databases. In summary, there is insufficient evidence to classify NM_000080.3(CHRNE):c.1052C>G(P351R) as pathogenic or benign. Please note: this variant was assessed in the context of healthy population screening.

Labcorp Genetics (formerly Invitae), Labcorp
Classification: Uncertain significance for Congenital myasthenic syndrome 4A. Last evaluated: 2025-05-07. Review status: criteria provided, single submitter. Criteria: Invitae Variant Classification Sherloc (09022015). Collection method: clinical testing. Allele origin: germline.
Comment: This sequence change replaces proline, which is neutral and non-polar, with arginine, which is basic and polar, at codon 351 of the CHRNE protein (p.Pro351Arg). This variant is not present in population databases (gnomAD no frequency). This variant has not been reported in the literature in individuals affected with CHRNE-related conditions. ClinVar contains an entry for this variant (Variation ID: 2577839). Invitae Evidence Modeling of protein sequence and biophysical properties (such as structural, functional, and spatial information, amino acid conservation, physicochemical variation, residue mobility, and thermodynamic stability) indicates that this missense variant is expected to disrupt CHRNE protein function with a positive predictive value of 80%. This variant disrupts the p.Pro351 amino acid residue in CHRNE. Other variant(s) that disrupt this residue have been determined to be pathogenic (PMID: 11408331, 37721175). This suggests that this residue is clinically significant, and that variants that disrupt this residue are likely to be disease-causing. In summary, the available evidence is currently insufficient to determine the role of this variant in disease. Therefore, it has been classified as a Variant of Uncertain Significance.

Concord Molecular Medicine Laboratory, Concord Repatriation General Hospital
Classification: Likely pathogenic for Congenital myasthenic syndrome 4B; Congenital myasthenic syndrome 4A; Congenital myasthenic syndrome 4C. Last evaluated: 2023-08-29. Review status: criteria provided, single submitter. Criteria: ACMG Guidelines, 2015. Collection method: clinical testing. Allele origin: germline. Affected: yes. Observed: 1 compound heterozygote.
Comment: The c.1052C>G missense substitution predicts an amino acid change from from proline to arginine in codon 351 of the CHRNE protein, p.(Pro351Arg). In silico analysis by REVEL suggests this variant to be damaging (REVEL: 0.77). It is located in the critical neurotransmitter-gated ion-channel transmembrane domain (IPR006029). Another amino acid change in the same residue location has been observed in a patient with CMS in trans with another pathogenic variant (PMID: 11408331). This variant is absent in control population (gnomAD). The current evidence allows a classification of this variant as “likely pathogenic” (ACMG criteria: PM1, PM5, PP3_moderate, PM2_supporting, PM3_supporting).

Literature cited by the submitters: PubMed 39273593 (cited by Myriad Genetics, Inc.); PubMed 11408331 (cited by Labcorp Genetics (formerly Invitae), Labcorp); PubMed 37721175 (cited by Labcorp Genetics (formerly Invitae), Labcorp).